The following is an entry in ClinVar:

NM_004260.4(RECQL4):c.2791C>A (p.Pro931Thr)

Gene: RECQL4 (RecQ like helicase 4; minus strand). Cytogenetic location: 8q24.3.
Variant type: single nucleotide variant.
Coding change: c.2791C>A on transcript NM_004260.4 (MANE Select); coding-DNA position 2791, C replaced by A.
Protein change: p.Pro931Thr; replaces proline 931 with threonine.
Molecular consequence: missense variant.
Genome position (GRCh38, 1-based): chr8:144,512,736, G>T on the plus strand (C>A on the coding strand, the complement: RECQL4 is on the minus strand). VCF-style: chr8-144512736-G-T. GRCh37 (hg19) VCF-style: chr8-145738119-G-T.
Other names: c.1522C>A, p.Pro508Thr (NM_001413031.1, NM_001413038.1); c.1654C>A, p.Pro552Thr (NM_001413032.1, NM_001413027.1, NM_001413030.1); c.2659C>A, p.Pro887Thr (NM_001413033.1); c.1720C>A, p.Pro574Thr (NM_001413034.1, NM_001413035.1, NM_001413040.1 and 4 more transcripts); c.2791C>A, p.Pro931Thr (NM_001413036.1); c.1588C>A, p.Pro530Thr (NM_001413037.1); c.2761C>A, p.Pro921Thr (NM_001413039.1); c.2497C>A, p.Pro833Thr (NM_001413017.1); and 9 more; short protein forms P564T, P833T, P577T, P599T, P814T, P888T, P931T, P956T.
Identifiers: ClinVar variation 2154257 (VCV002154257.4), dbSNP rs768352855, ClinGen allele CA372674442.

ClinVar aggregate classification (germline): Uncertain significance (1 of 4 stars; one submission).

Conditions:
Baller-Gerold syndrome (BGS). Also called: CRANIOSYNOSTOSIS WITH RADIAL DEFECTS. Identifiers: Orphanet 1225, MedGen C0265308, MONDO:0009039, OMIM 218600.

Submission:

Labcorp Genetics (formerly Invitae), Labcorp
Classification: Uncertain significance for Baller-Gerold syndrome. Last evaluated: 2022-10-05. Review status: criteria provided, single submitter. Criteria: Invitae Variant Classification Sherloc (09022015). Collection method: clinical testing. Allele origin: germline.
Comment: This sequence change replaces proline, which is neutral and non-polar, with threonine, which is neutral and polar, at codon 931 of the RECQL4 protein (p.Pro931Thr). This variant is not present in population databases (gnomAD no frequency). This variant has not been reported in the literature in individuals affected with RECQL4-related conditions. Experimental studies and prediction algorithms are not available or were not evaluated, and the functional significance of this variant is currently unknown. In summary, the available evidence is currently insufficient to determine the role of this variant in disease. Therefore, it has been classified as a Variant of Uncertain Significance.